The following is an entry in ClinVar:

NM_000179.3(MSH6):c.3613_3615dup (p.Thr1205dup)

Gene: MSH6 (mutS homolog 6; plus strand). Cytogenetic location: 2p16.3.
Variant type: Duplication.
Coding change: c.3613_3615dup on transcript NM_000179.3 (MANE Select); coding-DNA positions 3613 to 3615, 3 bases duplicated (ACA; older notation c.3613_3615dupACA).
Protein change: p.Thr1205dup; duplicates threonine 1205.
Molecular consequence: inframe insertion.
Genome position (GRCh38, 1-based): chr2:47,805,674-47,805,676, ACA duplicated; duplicating any 3 consecutive bases within chr2:47,805,672-47,805,676 gives the same sequence; the c. name uses the placement nearest the transcript's 3' end. VCF-style (leftmost placement, unchanged base first): chr2-47805671-G-GCAA. GRCh37 (hg19) VCF-style: chr2-48032810-G-GCAA.
Other names: c.3613_3615dupACA (NM_000179.2); c.3223_3225dup, p.Thr1075dup (NM_001281492.2); c.2707_2709dup, p.Thr903dup (NM_001281493.2, NM_001281494.2).
Identifiers: ClinVar variation 584622 (VCV000584622.12), dbSNP rs1558390840, ClinGen allele CA891843276.

ClinVar aggregate classification (germline): Uncertain significance. Review status: criteria provided, multiple submitters, no conflicts (2 of 4 stars). 3 submissions from 3 submitters: Uncertain significance (3). Last evaluated 2023-11-04.

Conditions:
Hereditary cancer-predisposing syndrome. Also called: Neoplastic Syndromes, Hereditary; Hereditary Cancer Syndrome; Tumor predisposition; Hereditary neoplastic syndrome. Identifiers: Orphanet 140162, MedGen C0027672, MeSH D009386, MONDO:0015356.
Lynch syndrome. Identifiers: Orphanet 144, MedGen C4552100, MONDO:0005835. Disease mechanism: loss of function.
Hereditary nonpolyposis colorectal neoplasms. Identifiers: MedGen C0009405, MeSH D003123.

Submissions (3):

Labcorp Genetics (formerly Invitae), Labcorp
Classification: Uncertain significance for Hereditary nonpolyposis colorectal neoplasms. Last evaluated: 2023-11-04. Review status: criteria provided, single submitter. Criteria: Invitae Variant Classification Sherloc (09022015). Collection method: clinical testing. Allele origin: germline.
Comment: This variant, c.3613_3615dup, results in the insertion of 1 amino acid(s) of the MSH6 protein (p.Thr1205dup), but otherwise preserves the integrity of the reading frame. This variant is not present in population databases (gnomAD no frequency). This variant has not been reported in the literature in individuals affected with MSH6-related conditions. ClinVar contains an entry for this variant (Variation ID: 584622). Experimental studies and prediction algorithms are not available or were not evaluated, and the functional significance of this variant is currently unknown. In summary, the available evidence is currently insufficient to determine the role of this variant in disease. Therefore, it has been classified as a Variant of Uncertain Significance.

Ambry Genetics
Classification: Uncertain significance for Hereditary cancer-predisposing syndrome. Last evaluated: 2023-07-13. Review status: criteria provided, single submitter. Criteria: Ambry Variant Classification Scheme 2023. Collection method: clinical testing. Allele origin: germline.
Comment: The c.3613_3615dupACA variant (also known as p.T1205dup), located in coding exon 7 of the MSH6 gene, results from an in-frame duplication of ACA at nucleotide positions 3613 to 3615. This results in the duplication of an extra threonine residue between codons 1205 and 1206. This amino acid position is highly conserved in available vertebrate species. In addition, this alteration is predicted to be deleterious by in silico analysis (Choi Y et al. PLoS ONE. 2012; 7(10):e46688). Since supporting evidence is limited at this time, the clinical significance of this alteration remains unclear.

Mendelics
Classification: Uncertain significance for Lynch syndrome. Last evaluated: 2018-07-02. Review status: criteria provided, single submitter. Criteria: Mendelics Assertion Criteria 2017. Collection method: clinical testing. Allele origin: unknown.